The following is an entry in ClinVar:

ClinVar aggregate classification (germline): Benign. Review status: criteria provided, multiple submitters, no conflicts (2 of 4 stars). 2 submissions from 2 submitters: Benign (2). Last evaluated 2016-03-29.

Allele frequency attached by ClinVar (database versions not stated): ExAC 0.03325; gnomAD exomes 0.08054 and 0.12993; gnomAD 0.10139 and 0.10539.

Submissions (2):

Laboratory for Molecular Medicine, Mass General Brigham Personalized Medicine
Classification: Benign. Last evaluated: 2016-03-29. Review status: criteria provided, single submitter. Criteria: LMM Criteria. Collection method: clinical testing. Allele origin: germline.
Comment: Variant identified in a genome or exome case(s) and assessed due to predicted null impact of the variant or pathogenic assertions in the literature or databases. Disclaimer: This variant has not undergone full assessment. The following are preliminary notes: Outside ROI, Frequency

Breakthrough Genomics
Classification: Benign. Review status: criteria provided, single submitter. Criteria: ACMG Guidelines, 2015. Collection method: not provided. Allele origin: germline. Inheritance: Unknown mechanism. Affected: yes.

NM_152363.6(ANKLE1):c.*132G>T

Gene: ANKLE1 (ankyrin repeat and LEM domain containing 1; plus strand). Cytogenetic location: 19p13.11.
Variant type: single nucleotide variant.
Coding change: c.*132G>T on transcript NM_152363.6 (MANE Select); 132 bases downstream of the stop codon, G replaced by T.
Molecular consequence: 3 prime UTR variant. On other transcripts: missense variant (1), non-coding transcript variant (1).
Genome position (GRCh38, 1-based): chr19:17,286,684, G>T. VCF-style: chr19-17286684-G-T. GRCh37 (hg19) VCF-style: chr19-17397493-G-T.
Other names: c.*132G>T (NM_001278443.2, NM_001278445.2); c.1763G>T, p.Cys588Phe (NM_001278444.2); short protein forms C588F.
Identifiers: ClinVar variation 402368 (VCV000402368.5), dbSNP rs371454519, ClinGen allele CA9291573.